The following is an entry in ClinVar:

ClinVar aggregate classification (germline): Uncertain significance (1 of 4 stars; one submission).

gnomAD v4.1: 9 of 1,614,216 alleles (0.00056%); highest among the groups gnomAD compares: Non-Finnish European, 0.00076%; no homozygotes.

Submission:

Ambry Genetics
Classification: Uncertain significance. Last evaluated: 2025-07-05. Review status: criteria provided, single submitter. Criteria: Ambry Variant Classification Scheme 2023. Collection method: clinical testing. Allele origin: germline.
Comment: The p.E34G variant (also known as c.101A>G), located in coding exon 1 of the CDK12 gene, results from an A to G substitution at nucleotide position 101. The glutamic acid at codon 34 is replaced by glycine, an amino acid with similar properties. This amino acid position is conserved. In addition, this alteration is predicted to be tolerated by in silico analysis. Based on the available evidence, the clinical significance of this variant remains unclear.

NM_016507.4(CDK12):c.101A>G (p.Glu34Gly)

Genes: CDK12 (cyclin dependent kinase 12; plus strand), LOC126862553 (CDK7 strongly-dependent group 2 enhancer GRCh37_chr17:37618166-37619365; plus strand). Cytogenetic location: 17q12.
Variant type: single nucleotide variant.
Coding change: c.101A>G on transcript NM_016507.4 (MANE Select); coding-DNA position 101, A replaced by G.
Protein change: p.Glu34Gly; replaces glutamic acid 34 with glycine.
Molecular consequence: missense variant.
Genome position (GRCh38, 1-based): chr17:39,462,172, A>G. VCF-style: chr17-39462172-A-G. GRCh37 (hg19) VCF-style: chr17-37618425-A-G.
Other names: c.101A>G, p.Glu34Gly (NM_015083.4); short protein forms E34G.
Identifiers: ClinVar variation 4224257 (VCV004224257.1).